The following is an entry in ClinVar:

NM_014946.4(SPAST):c.760A>C (p.Lys254Gln)

Gene: SPAST (spastin; plus strand). Cytogenetic location: 2p22.3.
Variant type: single nucleotide variant.
Coding change: c.760A>C on transcript NM_014946.4 (MANE Select); coding-DNA position 760, A replaced by C.
Protein change: p.Lys254Gln; replaces lysine 254 with glutamine.
Molecular consequence: missense variant.
Genome position (GRCh38, 1-based): chr2:32,114,715, A>C. VCF-style: chr2-32114715-A-C. GRCh37 (hg19) VCF-style: chr2-32339784-A-C.
Other names: c.757A>C, p.Lys253Gln (NM_001363823.2); c.661A>C, p.Lys221Gln (NM_001363875.2); c.664A>C, p.Lys222Gln (NM_001377959.1, NM_199436.2); short protein forms K222Q, K253Q, K221Q, K254Q.
Identifiers: ClinVar variation 3703324 (VCV003703324.2).

ClinVar aggregate classification (germline): Uncertain significance (1 of 4 stars; one submission).

Conditions:
Hereditary spastic paraplegia 4. Also called: Spastic Paraplegia 4; Familial spastic paraplegia autosomal dominant 2; Spastic paraplegia 4, autosomal dominant. Identifiers: Orphanet 100985, MedGen C1866855, MONDO:0008438, OMIM 182601.

Submission:

Labcorp Genetics (formerly Invitae), Labcorp
Classification: Uncertain significance for Hereditary spastic paraplegia 4. Last evaluated: 2024-11-18. Review status: criteria provided, single submitter. Criteria: Invitae Variant Classification Sherloc (09022015). Collection method: clinical testing. Allele origin: germline.
Comment: This sequence change replaces lysine, which is basic and polar, with glutamine, which is neutral and polar, at codon 254 of the SPAST protein (p.Lys254Gln). This variant is not present in population databases (gnomAD no frequency). This variant has not been reported in the literature in individuals affected with SPAST-related conditions. Invitae Evidence Modeling of protein sequence and biophysical properties (such as structural, functional, and spatial information, amino acid conservation, physicochemical variation, residue mobility, and thermodynamic stability) has been performed for this missense variant. However, the output from this modeling did not meet the statistical confidence thresholds required to predict the impact of this variant on SPAST protein function. In summary, the available evidence is currently insufficient to determine the role of this variant in disease. Therefore, it has been classified as a Variant of Uncertain Significance.